The following is an entry in ClinVar:

NM_000273.3(GPR143):c.191C>T (p.Pro64Leu)

Gene: GPR143 (G protein-coupled receptor 143; minus strand). Cytogenetic location: Xp22.2.
Variant type: single nucleotide variant.
Coding change: c.191C>T on transcript NM_000273.3 (MANE Select); coding-DNA position 191, C replaced by T.
Protein change: p.Pro64Leu; replaces proline 64 with leucine.
Molecular consequence: missense variant.
Genome position (GRCh38, 1-based): chrX:9,765,627, G>A on the plus strand (C>T on the coding strand, the complement: GPR143 is on the minus strand). VCF-style: chrX-9765627-G-A. GRCh37 (hg19) VCF-style: chrX-9733667-G-A.
Other names: c.191C>T (NM_000273.2); short protein forms P64L.
Identifiers: ClinVar variation 1357186 (VCV001357186.9), dbSNP rs936878316, ClinGen allele CA326107222.
Genomic context (GRCh38, chrX:9,765,627, plus strand): 5'-CCCAGGCAGCCGAGAAGGTCGCAGGCAGCGGCAGCGCGCAGGATGCGGACCGAGGCCGGC[G>A]GGGACGTCGCGGGGGACCCGGGGCCCGCGGGCCGGCGGCCGGGCAGCAGCTGCAGAAGGC-3'
Protein context (NP_000264.2, residues 54-74): PAGPGSPATS[Pro64Leu]PASVRILRAA

ClinVar aggregate classification (germline): Uncertain significance. Review status: criteria provided, multiple submitters, no conflicts (2 of 4 stars). 4 submissions from 4 submitters: Uncertain significance (4). Last evaluated 2025-06-04.

Conditions:
Inborn genetic diseases. Identifiers: MedGen C0950123, MeSH D030342.
Nystagmus 6, congenital, X-linked (NYS6). Identifiers: MedGen C3151752, MONDO:0010435, OMIM 300814.
Ocular albinism, type I (OA1). Also called: NETTLESHIP-FALLS TYPE OCULAR ALBINISM; Ocular albinism, type I, Nettleship-Falls type; Ocular Albinism type 1; X-linked recessive ocular albinism. Identifiers: Orphanet 54, MedGen C0342684, MONDO:0021019, OMIM 300500.

Allele frequency attached by ClinVar (database versions not stated): gnomAD exomes 0.00001; gnomAD 0.00003.
gnomAD v4.1: 16 of 989,737 alleles (0.0016%); highest among the groups gnomAD compares: East Asian, 0.038%; no homozygotes.

Submissions (4):

Labcorp Genetics (formerly Invitae), Labcorp
Classification: Uncertain significance. Last evaluated: 2025-06-04. Review status: criteria provided, single submitter. Criteria: Invitae Variant Classification Sherloc (09022015). Collection method: clinical testing. Allele origin: germline.
Comment: This sequence change replaces proline, which is neutral and non-polar, with leucine, which is neutral and non-polar, at codon 64 of the GPR143 protein (p.Pro64Leu). This variant is present in population databases (no rsID available, gnomAD 0.01%). This variant has not been reported in the literature in individuals affected with GPR143-related conditions. ClinVar contains an entry for this variant (Variation ID: 1357186). Invitae Evidence Modeling of protein sequence and biophysical properties (such as structural, functional, and spatial information, amino acid conservation, physicochemical variation, residue mobility, and thermodynamic stability) indicates that this missense variant is not expected to disrupt GPR143 protein function with a negative predictive value of 95%. In summary, the available evidence is currently insufficient to determine the role of this variant in disease. Therefore, it has been classified as a Variant of Uncertain Significance.

Ambry Genetics
Classification: Uncertain significance for Inborn genetic diseases. Last evaluated: 2025-04-09. Review status: criteria provided, single submitter. Criteria: Ambry Variant Classification Scheme 2023. Collection method: clinical testing. Allele origin: germline.

Blueprint Genetics
Classification: Uncertain significance. Last evaluated: 2022-04-07. Review status: criteria provided, single submitter. Criteria: ACMG Guidelines, 2015. Collection method: clinical testing. Allele origin: germline.

Fulgent Genetics
Classification: Uncertain significance for Ocular albinism, type I; Nystagmus 6, congenital, X-linked. Last evaluated: 2021-09-28. Review status: criteria provided, single submitter. Criteria: ACMG Guidelines, 2015. Collection method: clinical testing. Allele origin: unknown.